The following is an entry in ClinVar:

ClinVar aggregate classification (germline): Likely benign (1 of 4 stars; one submission).

Conditions:
Lessel-Kreienkamp syndrome. Identifiers: MedGen C5436892, MONDO:0030897, OMIM 619149.

Submission:

Institute of Medical Genetics and Genomics, Sir Ganga Ram Hospital
Classification: Likely benign for Lessel-Kreienkamp syndrome. Last evaluated: 2023-06-21. Review status: criteria provided, single submitter. Criteria: ACMG Guidelines, 2015. Collection method: clinical testing. Allele origin: germline. Inheritance: Autosomal dominant inheritance. Affected: no. Observed: 1 heterozygote.
Comment: This gene has autosomal dominant inheritance. This variant has not been found in gnomAD aggregate or ExAc. Incomplete penetrance has not been reported for AGO2 gene. We classify this variant as likely benign for Lessel-Kreienkamp syndrome.

NM_012154.5(AGO2):c.1015C>T (p.Leu339Phe)

Genes: AGO2 (argonaute RISC catalytic component 2; minus strand), LOC126860544 (MED14-independent group 3 enhancer GRCh37_chr8:141567119-141568318; plus strand). Cytogenetic location: 8q24.3.
Variant type: single nucleotide variant.
Coding change: c.1015C>T on transcript NM_012154.5 (MANE Select); coding-DNA position 1015, C replaced by T.
Protein change: p.Leu339Phe; replaces leucine 339 with phenylalanine.
Molecular consequence: missense variant.
Genome position (GRCh38, 1-based): chr8:140,557,100, G>A on the plus strand (C>T on the coding strand, the complement: AGO2 is on the minus strand). VCF-style: chr8-140557100-G-A. GRCh37 (hg19) VCF-style: chr8-141567199-G-A.
Other names: c.1015C>T, p.Leu339Phe (NM_001164623.3); short protein forms L339F.
Identifiers: ClinVar variation 2506386 (VCV002506386.1), dbSNP rs2540729692, ClinGen allele CA372322244.